The following is an entry in ClinVar:

NM_005862.3(STAG1):c.74A>G (p.Glu25Gly)

Gene: STAG1 (STAG1 cohesin complex component; minus strand). Cytogenetic location: 3q22.3.
Variant type: single nucleotide variant.
Coding change: c.74A>G on transcript NM_005862.3 (MANE Select); coding-DNA position 74, A replaced by G.
Protein change: p.Glu25Gly; replaces glutamic acid 25 with glycine.
Molecular consequence: missense variant.
Genome position (GRCh38, 1-based): chr3:136,623,204, T>C on the plus strand (A>G on the coding strand, the complement: STAG1 is on the minus strand). VCF-style: chr3-136623204-T-C. GRCh37 (hg19) VCF-style: chr3-136342046-T-C.
Other names: short protein forms E25G.
Identifiers: ClinVar variation 4874673 (VCV004874673.2).

ClinVar aggregate classification (germline): Uncertain significance (1 of 4 stars; one submission).

Submission:

CeGaT Center for Human Genetics Tuebingen
Classification: Uncertain significance. Last evaluated: 2026-04-01. Review status: criteria provided, single submitter. Criteria: CeGaT Center For Human Genetics Tuebingen Variant Classification Criteria Version 2. Collection method: clinical testing. Allele origin: germline. Affected: yes. Observed: 1 variant allele.
Comment: STAG1: PM2